The following is an entry in ClinVar:

NC_000009.11:g.(?_136501494)_(136501852_?)dup

Gene: DBH (dopamine beta-hydroxylase; plus strand). Cytogenetic location: 9q34.2.
Variant type: Duplication.
Identifiers: ClinVar variation 2423395 (VCV002423395.6).

ClinVar aggregate classification (germline): Uncertain significance (1 of 4 stars; one submission).

Conditions:
Orthostatic hypotension 1 (ORTHYP1). Also called: Orthostatic hypotension 1, due to DBH deficiency; NORADRENALINE DEFICIENCY; NOREPINEPHRINE DEFICIENCY; Dopamine beta-hydroxylase deficiency. Identifiers: Orphanet 230, MedGen C4746777, MONDO:0009123, OMIM 223360.

Submission:

Labcorp Genetics (formerly Invitae), Labcorp
Classification: Uncertain significance for Orthostatic hypotension 1. Last evaluated: 2022-06-29. Review status: criteria provided, single submitter. Criteria: Invitae Variant Classification Sherloc (09022015). Collection method: clinical testing. Allele origin: germline.
Comment: In summary, the available evidence is currently insufficient to determine the role of this variant in disease. Therefore, it has been classified as a Variant of Uncertain Significance. This variant has not been reported in the literature in individuals affected with DBH-related conditions. This variant results in a copy number gain of the genomic region encompassing exon(s) 1 of the DBH gene. This region includes the initiator codon of the gene. This copy number gain extends beyond the assayed region for this gene and therefore may encompass additional genes. As the precise location of this event is unknown, it may be in tandem or it may be located elsewhere in the genome.